The following is an entry in ClinVar:

ClinVar aggregate classification (germline): Uncertain significance (1 of 4 stars; one submission).

Conditions:
ARAF-related disorder. Also called: ARAF-Related Disorders.

Allele frequency attached by ClinVar (database versions not stated): ExAC 0.00007; gnomAD 0.00009; TOPMed 0.00011; gnomAD exomes 0.00024; ESP Exome Variant Server 0.00028.
gnomAD v4.1: 262 of 1,209,708 alleles (0.022%); highest among the groups gnomAD compares: Non-Finnish European, 0.028%; no homozygotes.

Submission:

Clinical Genomics Laboratory, Washington University in St. Louis
Classification: Uncertain significance for ARAF-Related Disorders. Last evaluated: 2023-08-05. Review status: criteria provided, single submitter. Criteria: ACMG Guidelines, 2015. Collection method: clinical testing. Allele origin: germline.
Comment: The ARAF c.934C>G (p.Leu312Val) variant, to our knowledge, has not been reported in the medical literature. This variant is only observed on 10/111499 alleles in the general population (gnomAD v.2.1.1), indicating it is not a common variant. Computational predictors are uncertain as to the impact of this variant on ARAF function. Due to limited information, and based on ACMG/AMP guidelines for variant interpretation (Richards S et al., PMID: 25741868), the clinical significance of this variant is uncertain.

NM_001654.5(ARAF):c.934C>G (p.Leu312Val)

Gene: ARAF (A-Raf proto-oncogene, serine/threonine kinase; plus strand). Cytogenetic location: Xp11.3.
Variant type: single nucleotide variant.
Coding change: c.934C>G on transcript NM_001654.5 (MANE Select); coding-DNA position 934, C replaced by G.
Protein change: p.Leu312Val; replaces leucine 312 with valine.
Molecular consequence: missense variant.
Genome position (GRCh38, 1-based): chrX:47,567,290, C>G. VCF-style: chrX-47567290-C-G. GRCh37 (hg19) VCF-style: chrX-47426689-C-G.
Other names: c.943C>G, p.Leu315Val (NM_001256196.2); short protein forms L312V, L315V.
Identifiers: ClinVar variation 2672194 (VCV002672194.1), dbSNP rs143311445, ClinGen allele CA10398140.
Genomic context (GRCh38, chrX:47,567,290, plus strand): 5'-AAGAACCTGGGGTACCGGGACTCAGGCTATTACTGGGAGGTACCACCCAGTGAGGTGCAG[C>G]TGCTGAAGAGGATCGGGACGGGCTCGTTTGGCACCGTGTTTCGAGGGCGGTGGCATGGCG-3'
Protein context (NP_001645.1, residues 302-322): YWEVPPSEVQ[Leu312Val]LKRIGTGSFG